The following is an entry in ClinVar:

NC_000015.10:g.(?_67187355)_(67187519_?)del

Gene: SMAD3 (SMAD family member 3; plus strand). Cytogenetic location: 15q22.33.
Variant type: Deletion.
Identifiers: ClinVar variation 830971 (VCV000830971.7).

ClinVar aggregate classification (germline): Pathogenic (1 of 4 stars; one submission).

Conditions:
Familial thoracic aortic aneurysm and aortic dissection (TAAD). Also called: Thoracic aortic aneurysms and dissections. Identifiers: Orphanet 91387, MedGen C4707243, MONDO:0019625.

Submission:

Labcorp Genetics (formerly Invitae), Labcorp
Classification: Pathogenic for Familial thoracic aortic aneurysm and aortic dissection. Last evaluated: 2019-09-25. Review status: criteria provided, single submitter. Criteria: Invitae Variant Classification Sherloc (09022015). Collection method: clinical testing. Allele origin: germline.
Comment: This variant has not been reported in the literature in individuals with SMAD3-related disease. This variant is an out-of-frame deletion of the genomic region encompassing exon 8 of the SMAD3 gene. This is expected to create a premature translational stop signal and result in an absent or disrupted protein product. Loss-of-function variants in SMAD3 are known to be pathogenic (PMID: 21778426, 24804794). For these reasons, this variant has been classified as Pathogenic.

Literature cited by the submitters: PubMed 21778426; PubMed 24804794.